The following is an entry in ClinVar:

NM_152564.5(VPS13B):c.3445+3A>G

Gene: VPS13B (vacuolar protein sorting 13 homolog B; plus strand). Cytogenetic location: 8q22.2.
Variant type: single nucleotide variant.
Coding change: c.3445+3A>G on transcript NM_152564.5 (MANE Select); 3 bases into the intron after coding-DNA position 3445, A replaced by G.
Molecular consequence: intron variant.
Genome position (GRCh38, 1-based): chr8:99,442,638, A>G. VCF-style: chr8-99442638-A-G. GRCh37 (hg19) VCF-style: chr8-100454866-A-G.
Other names: c.3445+3A>G (NM_017890.5).
Identifiers: ClinVar variation 3354972 (VCV003354972.1).

ClinVar aggregate classification (germline): Uncertain significance (0 of 4 stars; one submission).

Conditions:
VPS13B-related disorder. Also called: VPS13B-related condition.

gnomAD v4.1: 5 of 1,612,852 alleles (0.00031%); highest among the groups gnomAD compares: South Asian, 0.0033%; no homozygotes.

Submission:

PreventionGenetics, part of Exact Sciences
Classification: Uncertain significance for VPS13B-related condition. Last evaluated: 2024-06-07. Review status: no assertion criteria provided. Collection method: clinical testing. Allele origin: germline.
Comment: The VPS13B c.3445+3A>G variant is predicted to interfere with splicing. To our knowledge, this variant has not been reported in the literature. It is predicted to impact splicing (SpliceAI, Jaganathan et al. 2019. PubMed ID: 30661751). In an alternate transcript of the gene (NM_181661), this variant is in the post-coding region of the transcript. This variant is reported in 0.0066% of alleles in individuals of South Asian descent in gnomAD. At this time, the clinical significance of this variant is uncertain due to the absence of conclusive functional and genetic evidence.